The following is an entry in ClinVar:

NM_006767.4(LZTR1):c.1433G>A (p.Arg478Gln)

Gene: LZTR1 (leucine zipper like post translational regulator 1; plus strand). Cytogenetic location: 22q11.21.
Variant type: single nucleotide variant.
Coding change: c.1433G>A on transcript NM_006767.4 (MANE Select); coding-DNA position 1433, G replaced by A.
Protein change: p.Arg478Gln; replaces arginine 478 with glutamine.
Molecular consequence: missense variant.
Genome position (GRCh38, 1-based): chr22:20,994,003, G>A. VCF-style: chr22-20994003-G-A. GRCh37 (hg19) VCF-style: chr22-21348292-G-A.
Other names: short protein forms R478Q.
Identifiers: ClinVar variation 1461893 (VCV001461893.15), dbSNP rs138036477, ClinGen allele CA10118886.
Genomic context (GRCh38, chr22:20,994,003, plus strand): 5'-GCCACGTAGCCATTGTCACAGCGCGGAGCCGCTGGCTTCGCAGGAAGATCACGCAGGCGC[G>A]GGAGAGGCTGGCCCAGGTGAGGTGCCTAACCGCCCTGCCCTGACCTGGCAGCCATGCCTG-3'
Protein context (NP_006758.2, residues 468-488): RWLRRKITQA[Arg478Gln]ERLAQKLEQE

ClinVar aggregate classification (germline): Conflicting classifications of pathogenicity. Review status: criteria provided, conflicting classifications (1 of 4 stars). 6 submissions from 6 submitters: Uncertain significance (5); Likely benign (1). Last evaluated 2026-01-25.

Conditions:
LZTR1-related schwannomatosis. Also called: Schwannomatosis 2; Schwannomatosis-2, susceptibility to. Identifiers: Orphanet 93921, MedGen C3810283, MONDO:0014299, OMIM 615670.
Cardiovascular phenotype. Identifiers: MedGen CN230736.
Hereditary cancer-predisposing syndrome. Also called: Hereditary Cancer Syndrome; Tumor predisposition; Neoplastic Syndromes, Hereditary; Hereditary neoplastic syndrome. Identifiers: Orphanet 140162, MedGen C0027672, MeSH D009386, MONDO:0015356.

Allele frequency attached by ClinVar (database versions not stated): gnomAD 0.00003 and 0.00004; TOPMed 0.00003; ESP Exome Variant Server 0.00008.

Submissions (6):

Labcorp Genetics (formerly Invitae), Labcorp
Classification: Uncertain significance. Last evaluated: 2026-01-25. Review status: criteria provided, single submitter. Criteria: Invitae Variant Classification Sherloc (09022015). Collection method: clinical testing. Allele origin: germline.
Comment: This sequence change replaces arginine, which is basic and polar, with glutamine, which is neutral and polar, at codon 478 of the LZTR1 protein (p.Arg478Gln). This variant is present in population databases (rs138036477, gnomAD 0.007%). This variant has not been reported in the literature in individuals affected with LZTR1-related conditions. ClinVar contains an entry for this variant (Variation ID: 1461893). Invitae Evidence Modeling of protein sequence and biophysical properties (such as structural, functional, and spatial information, amino acid conservation, physicochemical variation, residue mobility, and thermodynamic stability) indicates that this missense variant is not expected to disrupt LZTR1 protein function with a negative predictive value of 80%. In summary, the available evidence is currently insufficient to determine the role of this variant in disease. Therefore, it has been classified as a Variant of Uncertain Significance.

Ambry Genetics
Classification: Likely benign for Cardiovascular phenotype; Hereditary cancer-predisposing syndrome. Last evaluated: 2024-10-05. Review status: criteria provided, single submitter. Criteria: Ambry Variant Classification Scheme 2023. Collection method: clinical testing. Allele origin: germline.

Baylor Genetics
Classification: Uncertain significance for LZTR1-related schwannomatosis. Last evaluated: 2024-02-01. Review status: criteria provided, single submitter. Criteria: ACMG Guidelines, 2015. Collection method: clinical testing. Allele origin: unknown.

GeneDx
Classification: Uncertain significance. Last evaluated: 2024-01-26. Review status: criteria provided, single submitter. Criteria: GeneDx Variant Classification Process June 2021. Collection method: clinical testing. Allele origin: germline. Affected: yes.
Comment: In silico analysis supports that this missense variant does not alter protein structure/function; Has not been previously published as pathogenic or benign to our knowledge

Women's Health and Genetics/Laboratory Corporation of America, LabCorp
Classification: Uncertain significance. Last evaluated: 2023-09-26. Review status: criteria provided, single submitter. Criteria: LabCorp Variant Classification Summary - May 2015. Collection method: clinical testing. Allele origin: germline.
Comment: Variant summary: LZTR1 c.1433G>A (p.Arg478Gln) results in a conservative amino acid change located in the BTB/POZ domain (IPR000210) of the encoded protein sequence. Four of five in-silico tools predict a benign effect of the variant on protein function. The variant allele was found at a frequency of 2.9e-05 in 239144 control chromosomes. The available data on variant occurrences in the general population are insufficient to allow any conclusion about variant significance. To our knowledge, no occurrence of c.1433G>A in individuals affected with Noonan Syndrome and no experimental evidence demonstrating its impact on protein function have been reported. Two submitters have cited clinical-significance assessments for this variant to ClinVar after 2014; all submitters classified the variant as uncertain significance. Based on the evidence outlined above, the variant was classified as uncertain significance.

Blueprint Genetics
Classification: Uncertain significance. Last evaluated: 2022-09-02. Review status: criteria provided, single submitter. Criteria: ACMG Guidelines, 2015. Collection method: clinical testing. Allele origin: germline.